The following is an entry in ClinVar:

NM_018249.6(CDK5RAP2):c.4579C>T (p.Arg1527Cys)

Gene: CDK5RAP2 (CDK5 regulatory subunit associated protein 2; minus strand). Cytogenetic location: 9q33.2.
Variant type: single nucleotide variant.
Coding change: c.4579C>T on transcript NM_018249.6 (MANE Select); coding-DNA position 4579, C replaced by T.
Protein change: p.Arg1527Cys; replaces arginine 1527 with cysteine.
Molecular consequence: missense variant. On other transcripts: non-coding transcript variant (5).
Genome position (GRCh38, 1-based): chr9:120,409,152, G>A on the plus strand (C>T on the coding strand, the complement: CDK5RAP2 is on the minus strand). VCF-style: chr9-120409152-G-A. GRCh37 (hg19) VCF-style: chr9-123171430-G-A.
Other names: c.4579C>T, p.Arg1527Cys (NM_001011649.3); c.3889C>T, p.Arg1297Cys (NM_001272039.2); short protein forms R1297C, R1527C.
Identifiers: ClinVar variation 1199107 (VCV001199107.6), dbSNP rs768629906, ClinGen allele CA5213532.

ClinVar aggregate classification (germline): Conflicting classifications of pathogenicity. Review status: criteria provided, conflicting classifications (1 of 4 stars). 2 submissions from 2 submitters: Uncertain significance (1); Likely benign (1). Last evaluated 2023-01-06.

Conditions:
Inborn genetic diseases. Identifiers: MedGen C0950123, MeSH D030342.

Allele frequency attached by ClinVar (database versions not stated): gnomAD 0.00001; gnomAD exomes 0.00001; TOPMed below 0.00001; ExAC 0.00002.
gnomAD v4.1: 16 of 1,612,394 alleles (0.00099%); highest among the groups gnomAD compares: Middle Eastern, 0.06%; no homozygotes.

Submissions (2):

Ambry Genetics
Classification: Likely benign for Inborn genetic diseases. Last evaluated: 2023-01-06. Review status: criteria provided, single submitter. Criteria: Ambry Variant Classification Scheme 2023. Collection method: clinical testing. Allele origin: germline.

GeneDx
Classification: Uncertain significance. Last evaluated: 2022-11-11. Review status: criteria provided, single submitter. Criteria: GeneDx Variant Classification Process June 2021. Collection method: clinical testing. Allele origin: germline. Affected: yes.
Comment: Not observed at a significant frequency in large population cohorts (gnomAD); In silico analysis supports that this missense variant does not alter protein structure/function; Has not been previously published as pathogenic or benign to our knowledge